The following is an entry in ClinVar:

ClinVar aggregate classification (germline): Conflicting classifications of pathogenicity. Review status: criteria provided, conflicting classifications (1 of 4 stars). 16 submissions from 16 submitters: Uncertain significance (11); Likely benign (2). 3 of the submissions do not count toward it. Last evaluated 2026-01-06.

Conditions:
Endometrial carcinoma. Also called: Endometrial carcinoma, somatic. Identifiers: MedGen C0476089, MONDO:0002447, OMIM 608089, HP:0012114.
Lynch syndrome 5 (LYNCH5). Also called: Hereditary non-polyposis colorectal cancer, type 5; Colorectal cancer, hereditary nonpolyposis, type 5. Identifiers: Orphanet 144, MedGen C1833477, MONDO:0013710, OMIM 614350. Disease mechanism: loss of function.
Mismatch repair cancer syndrome 3. Identifiers: MedGen C5436807, MONDO:0030841, OMIM 619097.
MSH6-related disorder. Also called: MSH6-related condition; MSH6-Related disorders.
Hereditary nonpolyposis colorectal neoplasms. Identifiers: MedGen C0009405, MeSH D003123.
Hereditary cancer-predisposing syndrome. Also called: Neoplastic Syndromes, Hereditary; Tumor predisposition; Hereditary Cancer Syndrome; Hereditary neoplastic syndrome. Identifiers: Orphanet 140162, MedGen C0027672, MeSH D009386, MONDO:0015356.
Lynch syndrome. Identifiers: Orphanet 144, MedGen C4552100, MONDO:0005835. Disease mechanism: loss of function.

Allele frequency attached by ClinVar (database versions not stated): TOPMed 0.00001.

Submissions 1 to 9 of 16:

Labcorp Genetics (formerly Invitae), Labcorp
Classification: Likely benign for Hereditary nonpolyposis colorectal neoplasms. Last evaluated: 2026-01-06. Review status: criteria provided, single submitter. Criteria: Invitae Variant Classification Sherloc (09022015). Collection method: clinical testing. Allele origin: germline.

PreventionGenetics, part of Exact Sciences
Classification: Uncertain significance for MSH6-related condition. Last evaluated: 2025-07-22. Review status: criteria provided, single submitter. Criteria: ACMG Guidelines, 2015. Collection method: clinical testing. Allele origin: germline.
Comment: The MSH6 c.3758T>C variant is predicted to result in the amino acid substitution p.Val1253Ala. This variant has been reported in individuals with colorectal cancer (Table A1, Chubb et al. 2015. PubMed ID: 25559809; eTable 4, Pearlman et al. 2021. PubMed ID: 34250417), breast cancer (Table S3, de Oliveira et al. 2022. PubMed ID: 35534704), and suspected Lynch syndrome (Table S2, Yurgelun et al. 2015. PubMed ID: 25980754). It has also been observed in an individual with a personal history of ovarian and pancreatic cancer who also harbored a pathogenic splice-altering variant in the BRCA1 gene (c.213-12A>G; Table 2, Dudley et al. 2018. PubMed ID: 29360161). Additionally, this variant was observed at similar frequencies in affected patients (0.040%) and non-cancer controls (0.032%) in a large breast cancer association study (Supplemental Data, Breast Cancer Association Consortium et al. 2021. PubMed ID: 33471991). This variant is reported in 0.0039% of alleles in individuals of European (non-Finnish) descent in gnomAD and has conflicting interpretations of clinical significance in ClinVar ranging from likely benign to uncertain (Variation ID: 134856). At this time, the clinical significance of this variant is uncertain due to the absence of conclusive functional and genetic evidence.

Myriad Genetics, Inc.
Classification: Likely benign for Lynch syndrome 5. Last evaluated: 2025-01-08. Review status: criteria provided, single submitter. Criteria: Myriad Autosomal Dominant, Autosomal Recessive and X-Linked Classification Criteria (2023). Collection method: clinical testing. Allele origin: unknown.
Comment: This variant is considered likely benign. This variant is strongly associated with less severe personal and family histories of cancer, typical for individuals without pathogenic variants in this gene [PMID: 27363726].

Women's Health and Genetics/Laboratory Corporation of America, LabCorp
Classification: Uncertain significance. Last evaluated: 2024-12-23. Review status: criteria provided, single submitter. Criteria: LabCorp Variant Classification Summary - May 2015. Collection method: clinical testing. Allele origin: germline.
Comment: Variant summary: MSH6 c.3758T>C (p.Val1253Ala) results in a non-conservative amino acid change in the encoded protein sequence. Four of five in-silico tools predict a damaging effect of the variant on protein function. The variant allele was found at a frequency of 1.6e-05 in 251190 control chromosomes (gnomAD). The available data on variant occurrences in the general population are insufficient to allow any conclusion about variant significance. c.3758T>C has been reported in the literature in individuals affected with Colorectal Cancer, Breast Cancer, or suspected Lynch syndrome without evidence for causality, often reported as a VUS (Chubb_2015, Yurgelun_2015, Dudley_2018, Pearlman_2021, de Oliveira_2022). These reports do not provide unequivocal conclusions about association of the variant with Hereditary Nonpolyposis Colorectal Cancer. To our knowledge, no experimental evidence demonstrating an impact on protein function has been reported. The following publications have been ascertained in the context of this evaluation (PMID: 25980754, 25559809, 29360161, 34250417, 35534704). ClinVar contains an entry for this variant (Variation ID: 134856). Based on the evidence outlined above, the variant was classified as uncertain significance.

GeneDx
Classification: Uncertain significance. Last evaluated: 2024-11-18. Review status: criteria provided, single submitter. Criteria: GeneDx Variant Classification Process June 2021. Collection method: clinical testing. Allele origin: germline. Affected: yes.
Comment: Not observed at significant frequency in large population cohorts (gnomAD); In silico analysis supports that this missense variant has a deleterious effect on protein structure/function; This variant is associated with the following publications: (PMID: 25559809, 24728327, 30122538, 25980754, 29360161, 17531815, 21120944, 35534704, 33471991, 34250417)

Ambry Genetics
Classification: Uncertain significance for Hereditary cancer-predisposing syndrome. Last evaluated: 2024-09-04. Review status: criteria provided, single submitter. Criteria: Ambry Variant Classification Scheme 2023. Collection method: clinical testing. Allele origin: germline.
Comment: The p.V1253A variant (also known as c.3758T>C), located in coding exon 8 of the MSH6 gene, results from a T to C substitution at nucleotide position 3758. The valine at codon 1253 is replaced by alanine, an amino acid with similar properties. This variant was identified in a cohort of 1260 individuals undergoing panel testing for Lynch syndrome due to having a diagnosis of a Lynch-associated cancer and/or polyps (Yurgelun MB et al. Gastroenterology, 2015 Sep;149:604-13.e20). This variant was identified in an individual with colon cancer the was microsatellite stable who had a family history of colon cancer in two relatives (Chubb D et al. J. Clin. Oncol., 2015 Feb;33:426-32). This variant was also detected in a patient with a personal history of pancreatic and ovarian cancer but was also positive for a mutation in the BRCA1 gene, and there was no family history of Lynch syndrome related cancers (Dudley B et al. Cancer, 2018 04;124:1691-1700). This variant has been identified in a cohort of 681 ancestrally diverse, healthy subjects (Bodian DL et al. PLoS ONE, 2014 Apr;9:e94554). This amino acid position is highly conserved in available vertebrate species. In addition, this alteration is predicted to be deleterious by in silico analysis. Since supporting evidence is limited at this time, the clinical significance of this alteration remains unclear.

All of Us Research Program, National Institutes of Health
Classification: Uncertain significance for Lynch syndrome. Last evaluated: 2024-05-30. Review status: criteria provided, single submitter. Criteria: ACMG Guidelines, 2015. Collection method: clinical testing. Allele origin: germline. Inheritance: Autosomal dominant inheritance. Observed: 11 variant alleles, 11 heterozygotes.
Comment: This missense variant replaces valine with alanine at codon 1253 of the MSH6 protein. Computational prediction suggests that this variant may have deleterious impact on protein structure and function (internally defined REVEL score threshold >= 0.7, PMID: 27666373). To our knowledge, functional studies have not been reported for this variant. This variant has been reported in individuals affected with colon cancer (PMID: 25559809), Lynch syndrome-associated cancer and/or polyps (PMID: 25980754), and ovarian and pancreatic cancer (PMID: 29360161). This variant has been identified in 5/282588 chromosomes in the general population by the Genome Aggregation Database (gnomAD). The available evidence is insufficient to determine the role of this variant in disease conclusively. Therefore, this variant is classified as a Variant of Uncertain Significance.

This study involves interpretation of variants in research participants for the purpose of population health screening. Participant phenotype was not available at the time of variant classification. Additional details can be found in publication PMID: 35346344, PMCID: PMC8962531

Fulgent Genetics
Classification: Uncertain significance for Endometrial carcinoma; Lynch syndrome 5; Mismatch repair cancer syndrome 3. Last evaluated: 2024-05-17. Review status: criteria provided, single submitter. Criteria: ACMG Guidelines, 2015. Collection method: clinical testing. Allele origin: germline.

Color Diagnostics, LLC DBA Color Health
Classification: Uncertain significance for Hereditary cancer-predisposing syndrome. Last evaluated: 2024-05-09. Review status: criteria provided, single submitter. Criteria: ACMG Guidelines, 2015. Collection method: clinical testing. Allele origin: germline.
Comment: This missense variant replaces valine with alanine at codon 1253 of the MSH6 protein. Computational prediction suggests that this variant may have deleterious impact on protein structure and function (internally defined REVEL score threshold >= 0.7, PMID: 27666373). To our knowledge, functional studies have not been reported for this variant. This variant has been reported in individuals affected with colon cancer (PMID: 25559809), Lynch syndrome-associated cancer and/or polyps (PMID: 25980754), and ovarian and pancreatic cancer (PMID: 29360161). This variant has been identified in 5/282588 chromosomes in the general population by the Genome Aggregation Database (gnomAD). The available evidence is insufficient to determine the role of this variant in disease conclusively. Therefore, this variant is classified as a Variant of Uncertain Significance.

NM_000179.3(MSH6):c.3758T>C (p.Val1253Ala)

Gene: MSH6 (mutS homolog 6; plus strand). Cytogenetic location: 2p16.3.
Variant type: single nucleotide variant.
Coding change: c.3758T>C on transcript NM_000179.3 (MANE Select); coding-DNA position 3758, T replaced by C.
Protein change: p.Val1253Ala; replaces valine 1253 with alanine.
Molecular consequence: missense variant.
Genome position (GRCh38, 1-based): chr2:47,806,315, T>C. VCF-style: chr2-47806315-T-C. GRCh37 (hg19) VCF-style: chr2-48033454-T-C.
Other names: p.V1253A:GTA>GCA; c.3368T>C, p.Val1123Ala (NM_001281492.2); c.2852T>C, p.Val951Ala (NM_001281493.2, NM_001281494.2); short protein forms V1253A, V1123A, V951A.
Identifiers: ClinVar variation 134856 (VCV000134856.48), dbSNP rs202066386, ClinGen allele CA014193.